The following is an entry in ClinVar:

ClinVar aggregate classification (germline): Pathogenic. Review status: criteria provided, multiple submitters, no conflicts (2 of 4 stars). 10 submissions from 10 submitters: Pathogenic (10). Last evaluated 2025-09-27.

Conditions:
Mismatch repair cancer syndrome 4. Identifiers: MedGen C5436817, MONDO:0030843, OMIM 619101.
Hereditary nonpolyposis colorectal neoplasms. Identifiers: MedGen C0009405, MeSH D003123.
Hereditary nonpolyposis colon cancer (HNPCC). Also called: Hereditary Nonpolyposis Colorectal Cancer Syndrome; Hereditary nonpolyposis colorectal cancer; Familial nonpolyposis colon cancer. Identifiers: Orphanet 443909, MedGen C1333990, MONDO:0018630. Disease mechanism: loss of function.
Hereditary cancer-predisposing syndrome. Also called: Neoplastic Syndromes, Hereditary; Tumor predisposition; Hereditary Cancer Syndrome; Hereditary neoplastic syndrome. Identifiers: Orphanet 140162, MedGen C0027672, MeSH D009386, MONDO:0015356.
Lynch syndrome. Identifiers: Orphanet 144, MedGen C4552100, MONDO:0005835. Disease mechanism: loss of function.
Lynch syndrome 4 (LYNCH4). Also called: Colorectal cancer, hereditary nonpolyposis, type 4; Hereditary non-polyposis colorectal cancer, type 4. Identifiers: Orphanet 144, MedGen C1838333, MONDO:0013699, OMIM 614337. Disease mechanism: loss of function.

Submissions (10):

Labcorp Genetics (formerly Invitae), Labcorp
Classification: Pathogenic for Hereditary nonpolyposis colorectal neoplasms. Last evaluated: 2025-09-27. Review status: criteria provided, single submitter. Criteria: Invitae Variant Classification Sherloc (09022015). Collection method: clinical testing. Allele origin: germline.
Comment: This sequence change creates a premature translational stop signal (p.Lys356Argfs*4) in the PMS2 gene. It is expected to result in an absent or disrupted protein product. Loss-of-function variants in PMS2 are known to be pathogenic (PMID: 21376568, 24362816). This variant is present in population databases (rs587781395, gnomAD 0.0009%). This premature translational stop signal has been observed in individual(s) with clinical features of Lynch syndrome (PMID: 30608896). ClinVar contains an entry for this variant (Variation ID: 140957). For these reasons, this variant has been classified as Pathogenic.

Color Diagnostics, LLC DBA Color Health
Classification: Pathogenic for Hereditary cancer-predisposing syndrome. Last evaluated: 2024-10-07. Review status: criteria provided, single submitter. Criteria: ACMG Guidelines, 2015. Collection method: clinical testing. Allele origin: germline.
Comment: This variant deletes 1 nucleotide in exon 10 of the PMS2 gene, creating a frameshift and premature translation stop signal. This variant is expected to result in an absent or non-functional protein product. This variant has been reported in individuals affected with Lynch syndrome-associated cancers, including colorectal and endometrial cancer (PMID: 24506336, 25856668, 2689598628135145, 30608896). Tumor data from an individual affected with colorectal cancer displayed loss or PMS2 protein expression via immunohistochemistry (PMID: 25856668). This variant has been identified in 1/251214 chromosomes in the general population by the Genome Aggregation Database (gnomAD). Loss of PMS2 function is a known mechanism of disease. Based on the available evidence, this variant is classified as Pathogenic.

All of Us Research Program, National Institutes of Health
Classification: Pathogenic for Lynch syndrome. Last evaluated: 2024-04-10. Review status: criteria provided, single submitter. Criteria: ACMG Guidelines, 2015. Collection method: clinical testing. Allele origin: germline. Inheritance: Autosomal dominant inheritance. Observed: 2 variant alleles, 2 heterozygotes.
Comment: The c.1067del (p.Lys356Argfs*4) variant in the PMS2 is located on exon 10 and is predicted to cause reading frame shift that introduces a premature translation termination codon (p.Lys356Argfs*4), resulting in an absent or disrupted protein product. The variant has been reported in multiple individuals with Lynch syndrome-associated cancer (PMID: 28135145, 24506336, 30608896, 29345684). Other frameshift/truncation variants located upstream and downstream to this position in the same exon have been reported in individuals with Lynch syndrome-associated cancer and curated as pathogenic (ClinVar ID: 9240, 91289). Loss-of-function variants in PMS2 are known to be pathogenic (PMID: 28514183, 25512458, 35223509). The variant is reported in ClinVar (ID: 140957). The variant is rare in the general population according to gnomAD (1/251214 chromosomes). Therefore, the c.1067del (p.Lys356Argfs*4) variant in the PMS2 gene has been classified as pathogenic

This study involves interpretation of variants in research participants for the purpose of population health screening. Participant phenotype was not available at the time of variant classification. Additional details can be found in publication PMID: 35346344, PMCID: PMC8962531

Myriad Genetics, Inc.
Classification: Pathogenic for Lynch syndrome 4. Last evaluated: 2023-09-20. Review status: criteria provided, single submitter. Criteria: Myriad Autosomal Dominant, Autosomal Recessive and X-Linked Classification Criteria (2023). Collection method: clinical testing. Allele origin: unknown.
Comment: This variant is considered pathogenic. This variant creates a frameshift predicted to result in premature protein truncation.

Baylor Genetics
Classification: Pathogenic for Lynch syndrome 4. Last evaluated: 2023-08-23. Review status: criteria provided, single submitter. Criteria: ACMG Guidelines, 2015. Collection method: clinical testing. Allele origin: unknown.

Women's Health and Genetics/Laboratory Corporation of America, LabCorp
Classification: Pathogenic for Hereditary nonpolyposis colon cancer. Last evaluated: 2023-08-08. Review status: criteria provided, single submitter. Criteria: LabCorp Variant Classification Summary - May 2015. Collection method: clinical testing. Allele origin: germline.
Comment: Variant summary: PMS2 c.1067delA (p.Lys356ArgfsX4) results in a premature termination codon, predicted to cause a truncation of the encoded protein or absence of the protein due to nonsense mediated decay, which are commonly known mechanisms for disease. The variant allele was found at a frequency of 4e-06 in 251214 control chromosomes. c.1067delA has been reported in the literature in individuals affected with PMS2-deficient colorectal cancer and/or Lynch Syndrome (e.g. Rosty_2016). To our knowledge, no experimental evidence demonstrating an impact on protein function has been reported. The following publication has been ascertained in the context of this evaluation (PMID: 26895986). Three submitters have cited clinical-significance assessments for this variant to ClinVar after 2014. All submitters classified the variant as pathogenic. Based on the evidence outlined above, the variant was classified as pathogenic.

Ambry Genetics
Classification: Pathogenic for Hereditary cancer-predisposing syndrome. Last evaluated: 2023-05-23. Review status: criteria provided, single submitter. Criteria: Ambry Variant Classification Scheme 2023. Collection method: clinical testing. Allele origin: germline.
Comment: The c.1067delA pathogenic mutation, located in coding exon 10 of the PMS2 gene, results from a deletion of one nucleotide at nucleotide position 1067, causing a translational frameshift with a predicted alternate stop codon (p.K356Rfs*4). This alteration has been reported in multiple individuals with a personal history of colorectal or endometrial cancer (Cragun D et al. Clin. Genet., 2014 Dec;86:510-20; Rosty C et al. BMJ Open, 2016 Feb;6:e010293; Yurgelun MB et al. J. Clin. Oncol., 2017 Apr;35:1086-1095; Goodenberger ML et al. Genet. Med., 2016 Jan;18:13-9). In addition to the clinical data presented in the literature, this alteration is expected to result in loss of function by premature protein truncation or nonsense-mediated mRNA decay. As such, this alteration is interpreted as a disease-causing mutation.

Human Genome Sequencing Center Clinical Lab, Baylor College of Medicine
Classification: Pathogenic for Lynch syndrome. Last evaluated: 2022-08-15. Review status: criteria provided, single submitter. Criteria: ACMG Guidelines, 2015. Collection method: clinical testing. Allele origin: unknown.
Comment: The c.1067del (p.Lys356Argfs*4) variant in the PMS2 is located on exon 10 and is predicted to cause reading frame shift that introduces a premature translation termination codon (p.Lys356Argfs*4), resulting in an absent or disrupted protein product. The variant has been reported in multiple individuals with Lynch syndrome-associated cancer (PMID: 28135145, 24506336, 30608896, 29345684). Other frameshift/truncation variants located upstream and downstream to this position in the same exon have been reported in individuals with Lynch syndrome-associated cancer and curated as pathogenic (ClinVar ID: 9240, 91289). Loss-of-function variants in PMS2 are known to be pathogenic (PMID: 28514183, 25512458, 35223509). The variant is reported in ClinVar (ID: 140957). The variant is rare in the general population according to gnomAD (1/251214 chromosomes). Therefore, the c.1067del (p.Lys356Argfs*4) variant in the PMS2 gene has been classified as pathogenic

GeneDx
Classification: Pathogenic. Last evaluated: 2022-06-17. Review status: criteria provided, single submitter. Criteria: GeneDx Variant Classification Process June 2021. Collection method: clinical testing. Allele origin: germline. Affected: yes.
Comment: Frameshift variant predicted to result in protein truncation or nonsense mediated decay in a gene for which loss of function is a known mechanism of disease; Not observed at significant frequency in large population cohorts (gnomAD); Truncating variants in this gene are considered pathogenic by a well-established clinical consortium and/or database; This variant is associated with the following publications: (PMID: 26895986, 24763289, 25856668, 24506336, 28135145)

Department of Pathology and Laboratory Medicine, Sinai Health System
Classification: Pathogenic for Mismatch repair cancer syndrome 4. Last evaluated: 2022-03-18. Review status: criteria provided, single submitter. Criteria: ACMG Guidelines, 2015. Collection method: clinical testing. Allele origin: germline. Affected: yes.

Literature cited by the submitters: PubMed 21376568 (cited by Labcorp Genetics (formerly Invitae), Labcorp); PubMed 24362816 (cited by Labcorp Genetics (formerly Invitae), Labcorp); PubMed 30608896 (cited by 3 submitters); PubMed 24506336 (cited by 3 submitters); PubMed 25856668 (cited by 3 submitters); PubMed 25512458 (cited by All of Us Research Program, National Institutes of Health); PubMed 28135145 (cited by 3 submitters); PubMed 28514183 (cited by All of Us Research Program, National Institutes of Health); PubMed 29345684 (cited by All of Us Research Program, National Institutes of Health); PubMed 35223509 (cited by All of Us Research Program, National Institutes of Health); PubMed 26895986 (cited by Women's Health and Genetics/Laboratory Corporation of America, LabCorp and Ambry Genetics).

NM_000535.7(PMS2):c.1067del (p.Lys356fs)

Gene: PMS2 (PMS1 homolog 2, mismatch repair system component; minus strand). Cytogenetic location: 7p22.1.
Variant type: Deletion.
Coding change: c.1067del on transcript NM_000535.7 (MANE Select); coding-DNA position 1067, one base deleted (A; older notation c.1067delA).
Protein change: p.Lys356fs; shifts the reading frame from lysine 356.
Molecular consequence: frameshift variant. On other transcripts: non-coding transcript variant (1), intron variant (2).
Genome position (GRCh38, 1-based): chr7:5,989,877, T deleted on the plus strand (A on the coding strand, the reverse complement: PMS2 is on the minus strand); the first of 3 consecutive T bases (chr7:5,989,877-5,989,879); deleting any one gives the same sequence. VCF-style (leftmost placement, unchanged base first): chr7-5989876-CT-C. GRCh37 (hg19) VCF-style: chr7-6029507-CT-C.
Other names: c.662del, p.Lys221fs (NM_001322003.2, NM_001322004.2, NM_001322005.2 and 1 more transcripts); c.749del, p.Lys250fs (NM_001322007.2, NM_001322008.2); c.134del, p.Lys45fs (NM_001322011.2, NM_001322012.2); c.494del, p.Lys165fs (NM_001322013.2); c.1067del, p.Lys356fs (NM_001322014.2); c.758del, p.Lys253fs (NM_001322015.2); c.583+2096del (NM_001322010.2); c.988+2096del (NM_001322006.2); and 1 more; short protein forms K250fs, K45fs, K165fs, K221fs, K253fs, K356fs.
Identifiers: ClinVar variation 140957 (VCV000140957.20), dbSNP rs587781395, ClinGen allele CA009154.
Genomic context (GRCh38, chr7:5,989,876, plus strand): 5'-TGGCTGCTGACTGACATTTAGCTTGTTGACATCACTATCAAACATTCCTATCAAAGAGGT[CT>C]TTAAAACTGCCAACAAAAGCTTTTCCTCTTGTAGCAAAATTTGCCTTTTATCTGGAGTAA-3'